The following is an entry in ClinVar:

ClinVar aggregate classification (germline): Uncertain significance (1 of 4 stars; one submission).

Conditions:
Spastic paraplegia. Identifiers: MedGen C0037772, HP:0001258.

Allele frequency attached by ClinVar (database versions not stated): TOPMed below 0.00001; gnomAD exomes 0.00001.
gnomAD v4.1: 5 of 1,611,940 alleles (0.00031%); highest among the groups gnomAD compares: Admixed American, 0.0084%; no homozygotes.

Submission:

Labcorp Genetics (formerly Invitae), Labcorp
Classification: Uncertain significance for Spastic paraplegia. Last evaluated: 2024-02-17. Review status: criteria provided, single submitter. Criteria: Invitae Variant Classification Sherloc (09022015). Collection method: clinical testing. Allele origin: germline.
Comment: This sequence change replaces tyrosine, which is neutral and polar, with histidine, which is basic and polar, at codon 170 of the CYP2U1 protein (p.Tyr170His). This variant is present in population databases (no rsID available, gnomAD 0.006%). This variant has not been reported in the literature in individuals affected with CYP2U1-related conditions. ClinVar contains an entry for this variant (Variation ID: 1445280). Advanced modeling of protein sequence and biophysical properties (such as structural, functional, and spatial information, amino acid conservation, physicochemical variation, residue mobility, and thermodynamic stability) performed at Invitae indicates that this missense variant is not expected to disrupt CYP2U1 protein function with a negative predictive value of 95%. In summary, the available evidence is currently insufficient to determine the role of this variant in disease. Therefore, it has been classified as a Variant of Uncertain Significance.

NM_183075.3(CYP2U1):c.508T>C (p.Tyr170His)

Gene: CYP2U1 (cytochrome P450 family 2 subfamily U member 1; plus strand). Cytogenetic location: 4q25.
Variant type: single nucleotide variant.
Coding change: c.508T>C on transcript NM_183075.3 (MANE Select); coding-DNA position 508, T replaced by C.
Protein change: p.Tyr170His; replaces tyrosine 170 with histidine.
Molecular consequence: missense variant.
Genome position (GRCh38, 1-based): chr4:107,944,987, T>C. VCF-style: chr4-107944987-T-C. GRCh37 (hg19) VCF-style: chr4-108866143-T-C.
Other names: short protein forms Y170H.
Identifiers: ClinVar variation 1445280 (VCV001445280.8), dbSNP rs1310829853, ClinGen allele CA357836322.